The following is an entry in ClinVar:

NM_001430.5(EPAS1):c.970A>G (p.Thr324Ala)

Gene: EPAS1 (endothelial PAS domain protein 1; plus strand). Cytogenetic location: 2p21.
Variant type: single nucleotide variant.
Coding change: c.970A>G on transcript NM_001430.5 (MANE Select); coding-DNA position 970, A replaced by G.
Protein change: p.Thr324Ala; replaces threonine 324 with alanine.
Molecular consequence: missense variant.
Genome position (GRCh38, 1-based): chr2:46,375,773, A>G. VCF-style: chr2-46375773-A-G. GRCh37 (hg19) VCF-style: chr2-46602912-A-G.
Other names: short protein forms T324A.
Identifiers: ClinVar variation 2626647 (VCV002626647.2), dbSNP rs2103662462, ClinGen allele CA346702862.
Genomic context (GRCh38, chr2:46,375,773, plus strand): 5'-AGTGGCCAGTACCGGATGCTCGCAAAGCATGGGGGCTACGTGTGGCTGGAGACCCAGGGG[A>G]CGGTCATCTACAACCCTCGCAACCTGCAGCCCCAGTGCATCATGTGTGTCAACTACGTCC-3'
Protein context (NP_001421.2, residues 314-334): GGYVWLETQG[Thr324Ala]VIYNPRNLQP

ClinVar aggregate classification (germline): Uncertain significance (1 of 4 stars; one submission).

Conditions:
Inborn genetic diseases. Identifiers: MedGen C0950123, MeSH D030342.

Allele frequency attached by ClinVar (database versions not stated): gnomAD exomes below 0.00001.
gnomAD v4.1: 4 of 1,614,142 alleles (0.00025%); highest among the groups gnomAD compares: Non-Finnish European, 0.00034%; no homozygotes.

Submission:

Ambry Genetics
Classification: Uncertain significance for Inborn genetic diseases. Last evaluated: 2023-07-20. Review status: criteria provided, single submitter. Criteria: Ambry Variant Classification Scheme 2023. Collection method: clinical testing. Allele origin: germline.
Comment: The p.T324A variant (also known as c.970A>G), located in coding exon 8 of the EPAS1 gene, results from an A to G substitution at nucleotide position 970. The threonine at codon 324 is replaced by alanine, an amino acid with similar properties. This amino acid position is conserved. In addition, the in silico prediction for this alteration is inconclusive. Since supporting evidence is limited at this time, the clinical significance of this alteration remains unclear.